The following is an entry in ClinVar:

ClinVar aggregate classification (germline): Conflicting classifications of pathogenicity. Review status: criteria provided, conflicting classifications (1 of 4 stars). 4 submissions from 4 submitters: Uncertain significance (3); Likely benign (1). Last evaluated 2025-08-30.

Conditions:
SOS1-related disorder. Also called: SOS1-related condition.
RASopathy. Also called: rasopathies; Noonan spectrum disorder. Identifiers: Orphanet 536391, MedGen C5555857, MONDO:0021060.
Cardiovascular phenotype. Identifiers: MedGen CN230736.

Allele frequency attached by ClinVar (database versions not stated): gnomAD exomes below 0.00001; ExAC 0.00001.
gnomAD v4.1: 5 of 1,613,946 alleles (0.00031%); highest among the groups gnomAD compares: Non-Finnish European, 0.00042%; no homozygotes.

Submissions (4):

Labcorp Genetics (formerly Invitae), Labcorp
Classification: Likely benign for RASopathy. Last evaluated: 2025-08-30. Review status: criteria provided, single submitter. Criteria: Invitae Variant Classification Sherloc (09022015). Collection method: clinical testing. Allele origin: germline.

Ambry Genetics
Classification: Uncertain significance for Cardiovascular phenotype. Last evaluated: 2025-05-18. Review status: criteria provided, single submitter. Criteria: Ambry Variant Classification Scheme 2023. Collection method: clinical testing. Allele origin: germline.
Comment: The p.P1253L variant (also known as c.3758C>T), located in coding exon 23 of the SOS1 gene, results from a C to T substitution at nucleotide position 3758. The proline at codon 1253 is replaced by leucine, an amino acid with similar properties. This amino acid position is conserved. In addition, the in silico prediction for this alteration is inconclusive. Based on the available evidence, the clinical significance of this variant remains unclear.

PreventionGenetics, part of Exact Sciences
Classification: Uncertain significance for SOS1-related condition. Last evaluated: 2024-12-23. Review status: criteria provided, single submitter. Criteria: ACMG Guidelines, 2015. Collection method: clinical testing. Allele origin: germline.
Comment: The SOS1 c.3758C>T variant is predicted to result in the amino acid substitution p.Pro1253Leu. To our knowledge, this variant has not been reported in the literature. This variant is reported in 0.00088% of alleles in individuals of European (Non-Finnish) descent in gnomAD. At this time, the clinical significance of this variant is uncertain due to the absence of conclusive functional and genetic evidence.

Revvity Omics, Revvity
Classification: Uncertain significance. Last evaluated: 2020-11-16. Review status: criteria provided, single submitter. Criteria: ACMG Guidelines, 2015. Collection method: clinical testing. Allele origin: germline.

NM_005633.4(SOS1):c.3758C>T (p.Pro1253Leu)

Gene: SOS1 (SOS Ras/Rac guanine nucleotide exchange factor 1; minus strand). Cytogenetic location: 2p22.1.
Variant type: single nucleotide variant.
Coding change: c.3758C>T on transcript NM_005633.4 (MANE Select); coding-DNA position 3758, C replaced by T.
Protein change: p.Pro1253Leu; replaces proline 1253 with leucine.
Molecular consequence: missense variant.
Genome position (GRCh38, 1-based): chr2:38,986,068, G>A on the plus strand (C>T on the coding strand, the complement: SOS1 is on the minus strand). VCF-style: chr2-38986068-G-A. GRCh37 (hg19) VCF-style: chr2-39213209-G-A.
Other names: c.3737C>T, p.Pro1246Leu (NM_001382394.1); c.3713C>T, p.Pro1238Leu (NM_001382395.1); short protein forms P1238L, P1246L, P1253L.
Identifiers: ClinVar variation 2436244 (VCV002436244.6), dbSNP rs772527384, ClinGen allele CA1624115.
Genomic context (GRCh38, chr2:38,986,068, plus strand): 5'-AGATGCCTTCTTGTGCCGTGAGGAGAAGGTGTTTGAGGAGGAGGTGGTGTAAAGGGGGAA[G>A]GGCTGTTTGGGAAGAAGGCATTGCCATGGTCACTTTTTTTGCCCAAAGGGGGAGGTTGGA-3'
Protein context (NP_005624.2, residues 1243-1263): DHGNAFFPNS[Pro1253Leu]SPFTPPPPQT